The following is an entry in ClinVar:

NM_001277115.2(DNAH11):c.3544C>T (p.Arg1182Ter)

Gene: DNAH11 (dynein axonemal heavy chain 11; plus strand). Cytogenetic location: 7p15.3.
Variant type: single nucleotide variant.
Coding change: c.3544C>T on transcript NM_001277115.2 (MANE Select); coding-DNA position 3544, C replaced by T.
Protein change: p.Arg1182Ter; replaces arginine 1182 with a stop codon.
Molecular consequence: nonsense.
Genome position (GRCh38, 1-based): chr7:21,601,514, C>T. VCF-style: chr7-21601514-C-T. GRCh37 (hg19) VCF-style: chr7-21641132-C-T.
Other names: short protein forms R1182*.
Identifiers: ClinVar variation 577162 (VCV000577162.24), dbSNP rs374107286, ClinGen allele CA4179667.

ClinVar aggregate classification (germline): Pathogenic/Likely pathogenic. Review status: criteria provided, multiple submitters, no conflicts (2 of 4 stars). 6 submissions from 6 submitters: Pathogenic (3); Likely pathogenic (2). 1 of the submissions does not count toward it. Last evaluated 2025-02-06.

Conditions:
DNAH11-related disorder. Also called: DNAH11-related condition.
DNAH11-related disorders.
Primary ciliary dyskinesia. Also called: Ciliary dyskinesia. Identifiers: Orphanet 244, MedGen C0008780, MONDO:0016575, HP:0012265.
Primary ciliary dyskinesia 7. Also called: CILIARY DYSKINESIA, PRIMARY, 7, WITH OR WITHOUT SITUS INVERSUS. Identifiers: Orphanet 244, MedGen C2678473, MONDO:0012748, OMIM 611884.

Allele frequency attached by ClinVar (database versions not stated): gnomAD 0.00001; ExAC 0.00002; gnomAD exomes 0.00002; TOPMed 0.00002; ESP Exome Variant Server 0.00008.

Submissions (6):

Labcorp Genetics (formerly Invitae), Labcorp
Classification: Pathogenic for Primary ciliary dyskinesia. Last evaluated: 2025-02-06. Review status: criteria provided, single submitter. Criteria: Invitae Variant Classification Sherloc (09022015). Collection method: clinical testing. Allele origin: germline.
Comment: This sequence change creates a premature translational stop signal (p.Arg1182*) in the DNAH11 gene. It is expected to result in an absent or disrupted protein product. Loss-of-function variants in DNAH11 are known to be pathogenic (PMID: 18022865, 20513915, 22184204). This variant is present in population databases (rs374107286, gnomAD 0.007%). This premature translational stop signal has been observed in individual(s) with primary ciliary dyskinesia (PMID: 29467202). ClinVar contains an entry for this variant (Variation ID: 577162). For these reasons, this variant has been classified as Pathogenic.

Blueprint Genetics
Classification: Likely pathogenic for DNAH11-related disorders. Last evaluated: 2024-09-18. Review status: criteria provided, single submitter. Criteria: ACMG Guidelines, 2015. Collection method: clinical testing. Allele origin: germline. Affected: yes. Observed: 1 variant allele.

GeneDx
Classification: Likely pathogenic. Last evaluated: 2024-03-21. Review status: criteria provided, single submitter. Criteria: GeneDx Variant Classification Process June 2021. Collection method: clinical testing. Allele origin: germline. Affected: yes.
Comment: Nonsense variant predicted to result in protein truncation or nonsense mediated decay in a gene for which loss-of-function is a known mechanism of disease; This variant is associated with the following publications: (PMID: 38319496, 33715250, 29467202)

Fulgent Genetics
Classification: Pathogenic for Primary ciliary dyskinesia 7. Last evaluated: 2022-04-25. Review status: criteria provided, single submitter. Criteria: ACMG Guidelines, 2015. Collection method: clinical testing. Allele origin: unknown.

Ambry Genetics
Classification: Pathogenic for Primary ciliary dyskinesia. Last evaluated: 2018-04-20. Review status: criteria provided, single submitter. Criteria: Ambry Variant Classification Scheme 2023. Collection method: clinical testing. Allele origin: germline.
Comment: The p.R1182* pathogenic mutation (also known as c.3544C>T), located in coding exon 18 of the DNAH11 gene, results from a C to T substitution at nucleotide position 3544. This changes the amino acid from an arginine to a stop codon within coding exon 18. This mutation was identified in an individual with primary ciliary dyskinesia in conjunction with a second DNAH11 alteration (Shoemark A et al. Eur. Respir. J., 2018 Feb;51(2)). In addition to the clinical data presented in the literature, this alteration is expected to result in loss of function by premature protein truncation or nonsense-mediated mRNA decay. As such, this alteration is interpreted as a disease-causing mutation.

PreventionGenetics, part of Exact Sciences
Classification: Pathogenic for DNAH11-related condition. Last evaluated: 2023-11-21. Review status: no assertion criteria provided. Collection method: clinical testing. Allele origin: germline. Not counted in ClinVar's aggregate classification.
Comment: The DNAH11 c.3544C>T variant is predicted to result in premature protein termination (p.Arg1182*). This variant has been reported along with a second DNAH11 variant in an individual with primary ciliary dyskinesia (Shoemark et al 2018. PubMed ID: 29467202). This variant is reported in 0.0056% of alleles in individuals of East Asian descent in gnomAD. Nonsense variants in DNAH11 are expected to be pathogenic. This variant is interpreted as pathogenic.

Literature cited by the submitters: PubMed 18022865 (cited by Labcorp Genetics (formerly Invitae), Labcorp); PubMed 20513915 (cited by Labcorp Genetics (formerly Invitae), Labcorp); PubMed 22184204 (cited by Labcorp Genetics (formerly Invitae), Labcorp); PubMed 29467202 (cited by Labcorp Genetics (formerly Invitae), Labcorp and Ambry Genetics).